The following is an entry in ClinVar:

ClinVar aggregate classification (germline): Likely benign. Review status: criteria provided, multiple submitters, no conflicts (2 of 4 stars). 2 submissions from 2 submitters: Likely benign (2). Last evaluated 2025-10-06.

Conditions:
Charcot-Marie-Tooth disease, type I (CMT1). Also called: Charcot-Marie-Tooth disease type 1; Charcot-Marie-Tooth, Type 1. Identifiers: Orphanet 65753, MedGen C0751036, MONDO:0019011.
MPZ-related disorder. Also called: MPZ-related condition; MPZ-related disorders.

Allele frequency attached by ClinVar (database versions not stated): gnomAD 0.00001; TOPMed 0.00001; ExAC 0.00002; gnomAD exomes 0.00002.
gnomAD v4.1: 13 of 1,614,100 alleles (0.00081%); highest among the groups gnomAD compares: Non-Finnish European, 0.00059%; no homozygotes.

Submissions (2):

PreventionGenetics, part of Exact Sciences
Classification: Likely benign for MPZ-related condition. Last evaluated: 2025-10-06. Review status: criteria provided, single submitter. Criteria: ACMG Guidelines, 2015. Collection method: clinical testing. Allele origin: germline.
Comment: This variant is classified as likely benign based on ACMG/AMP sequence variant interpretation guidelines (Richards et al. 2015 PMID: 25741868, with internal and published modifications).

Labcorp Genetics (formerly Invitae), Labcorp
Classification: Likely benign for Charcot-Marie-Tooth disease, type I. Last evaluated: 2024-05-22. Review status: criteria provided, single submitter. Criteria: Invitae Variant Classification Sherloc (09022015). Collection method: clinical testing. Allele origin: germline.

NM_000530.8(MPZ):c.449-10C>T

Gene: MPZ (myelin protein zero; minus strand). Cytogenetic location: 1q23.3.
Variant type: single nucleotide variant.
Coding change: c.449-10C>T on transcript NM_000530.8 (MANE Select); 10 bases into the intron before coding-DNA position 449, C replaced by T.
Molecular consequence: intron variant.
Genome position (GRCh38, 1-based): chr1:161,306,474, G>A on the plus strand (C>T on the coding strand, the complement: MPZ is on the minus strand). VCF-style: chr1-161306474-G-A. GRCh37 (hg19) VCF-style: chr1-161276264-G-A.
Other names: c.449-10C>T (NM_000530.7, NM_001315491.2).
Identifiers: ClinVar variation 1134141 (VCV001134141.10), dbSNP rs200559887, ClinGen allele CA1210160.